The following is an entry in ClinVar:

ClinVar aggregate classification (germline): Uncertain significance (1 of 4 stars; one submission).

Conditions:
Hereditary cancer-predisposing syndrome. Also called: Neoplastic Syndromes, Hereditary; Hereditary Cancer Syndrome; Hereditary neoplastic syndrome; Tumor predisposition. Identifiers: Orphanet 140162, MedGen C0027672, MeSH D009386, MONDO:0015356.

Submission:

Ambry Genetics
Classification: Uncertain significance for Hereditary cancer-predisposing syndrome. Last evaluated: 2026-02-06. Review status: criteria provided, single submitter. Criteria: Ambry Variant Classification Scheme 2023. Collection method: clinical testing. Allele origin: germline.
Comment: The p.T152K variant (also known as c.455C>A), located in coding exon 2 of the VHL gene, results from a C to A substitution at nucleotide position 455. The threonine at codon 152 is replaced by lysine, an amino acid with similar properties. This variant was reported in individual(s) with features consistent with von Hippel-Lindau syndrome (Ambry internal data). This variant was determined to be functionally deleterious in one saturation genome editing assay (Buckley M et al. Nat Genet, 2024 Jul;56:1446-1455). This amino acid position is highly conserved in available vertebrate species. In addition, this alteration is predicted to be deleterious by in silico analysis. Based on the available evidence, the clinical significance of this variant remains unclear.

Literature cited by the submitters: PubMed 38969834.

NM_000551.4(VHL):c.455C>A (p.Thr152Lys)

Genes: VHL (von Hippel-Lindau tumor suppressor; plus strand), LOC107303340 (3p25 von Hippel-Lindau tumor suppressor, E3 ubiquitin protein ligase Alu-mediated recombination region; plus strand). Cytogenetic location: 3p25.3.
Variant type: single nucleotide variant.
Coding change: c.455C>A on transcript NM_000551.4 (MANE Select); coding-DNA position 455, C replaced by A.
Protein change: p.Thr152Lys; replaces threonine 152 with lysine.
Molecular consequence: missense variant. On other transcripts: non-coding transcript variant (1), intron variant (2).
Genome position (GRCh38, 1-based): chr3:10,146,628, C>A. VCF-style: chr3-10146628-C-A. GRCh37 (hg19) VCF-style: chr3-10188312-C-A.
Other names: c.*18-3159C>A (NM_001354723.2); c.341-3159C>A (NM_198156.3); short protein forms T152K.
Identifiers: ClinVar variation 3468024 (VCV003468024.2).